The following is an entry in ClinVar:

ClinVar aggregate classification (germline): Uncertain significance. Review status: criteria provided, multiple submitters, no conflicts (2 of 4 stars). 3 submissions from 3 submitters: Uncertain significance (3). Last evaluated 2025-06-12.

Conditions:
Hypopigmentation-punctate palmoplantar keratoderma syndrome. Also called: GUTTATE HYPOPIGMENTATION AND PUNCTATE PALMOPLANTAR KERATODERMA WITH OR WITHOUT ECTOPIC CALCIFICATION; Cole disease. Identifiers: Orphanet 324561, MedGen C3809781, MONDO:0014227, OMIM 615522.
Arterial calcification, generalized, of infancy, 1 (GACI1). Also called: Idiopathic Infantile Arterial Calcification. Identifiers: Orphanet 51608, MedGen C4551985, MONDO:0008817, OMIM 208000.
Hypophosphatemic rickets, autosomal recessive, 2 (ARHR2). Identifiers: Orphanet 289176, MedGen C2750078, MONDO:0013219, OMIM 613312.
Inherited obesity. Also called: Monogenic Obesity. Identifiers: Orphanet 77828, MedGen C4054476, MONDO:0019182, OMIM 601665.
Type 2 diabetes mellitus. Also called: Type II diabetes mellitus. Identifiers: MedGen C0011860, MeSH D003924, MONDO:0005148, OMIM 125853, HP:0005978.
Inborn genetic diseases. Identifiers: MedGen C0950123, MeSH D030342.

Allele frequency attached by ClinVar (database versions not stated): ExAC 0.00001; gnomAD exomes 0.00003; TOPMed 0.00005; gnomAD 0.00007.
gnomAD v4.1: 48 of 1,589,166 alleles (0.003%); highest among the groups gnomAD compares: East Asian, 0.054%; no homozygotes.

Submissions (3):

Labcorp Genetics (formerly Invitae), Labcorp
Classification: Uncertain significance. Last evaluated: 2025-06-12. Review status: criteria provided, single submitter. Criteria: Invitae Variant Classification Sherloc (09022015). Collection method: clinical testing. Allele origin: germline.
Comment: This sequence change replaces arginine, which is basic and polar, with glutamine, which is neutral and polar, at codon 476 of the ENPP1 protein (p.Arg476Gln). This variant is present in population databases (rs776045926, gnomAD 0.02%). This variant has not been reported in the literature in individuals affected with ENPP1-related conditions. ClinVar contains an entry for this variant (Variation ID: 2174073). Invitae Evidence Modeling of protein sequence and biophysical properties (such as structural, functional, and spatial information, amino acid conservation, physicochemical variation, residue mobility, and thermodynamic stability) indicates that this missense variant is not expected to disrupt ENPP1 protein function with a negative predictive value of 80%. In summary, the available evidence is currently insufficient to determine the role of this variant in disease. Therefore, it has been classified as a Variant of Uncertain Significance.

Fulgent Genetics
Classification: Uncertain significance for Type 2 diabetes mellitus; Arterial calcification, generalized, of infancy, 1; Inherited obesity; Hypophosphatemic rickets, autosomal recessive, 2; Hypopigmentation-punctate palmoplantar keratoderma syndrome. Last evaluated: 2024-05-02. Review status: criteria provided, single submitter. Criteria: ACMG Guidelines, 2015. Collection method: clinical testing. Allele origin: germline.

Ambry Genetics
Classification: Uncertain significance for Inborn genetic diseases. Last evaluated: 2022-08-17. Review status: criteria provided, single submitter. Criteria: Ambry Variant Classification Scheme 2023. Collection method: clinical testing. Allele origin: germline.

NM_006208.3(ENPP1):c.1427G>A (p.Arg476Gln)

Gene: ENPP1 (ectonucleotide pyrophosphatase/phosphodiesterase 1; plus strand). Cytogenetic location: 6q23.2.
Variant type: single nucleotide variant.
Coding change: c.1427G>A on transcript NM_006208.3 (MANE Select); coding-DNA position 1427, G replaced by A.
Protein change: p.Arg476Gln; replaces arginine 476 with glutamine.
Molecular consequence: missense variant.
Genome position (GRCh38, 1-based): chr6:131,872,091, G>A. VCF-style: chr6-131872091-G-A. GRCh37 (hg19) VCF-style: chr6-132193231-G-A.
Other names: c.1427G>A (NM_006208.2); short protein forms R476Q.
Identifiers: ClinVar variation 2174073 (VCV002174073.5), dbSNP rs776045926, ClinGen allele CA4002210.
Genomic context (GRCh38, chr6:131,872,091, plus strand): 5'-TACAATCAACTATTAATTCTTATGTTTGTTCCCCTCCAGTTAACTATGAAGGCATTGCCC[G>A]AAATCTTTCTGTGAGTATCTTTATTTTCCATTATCTAGTTATTTTTACTTTTGTATAATA-3'
Protein context (NP_006199.2, residues 466-486): YYSFNYEGIA[Arg476Gln]NLSCREPNQH